The following is an entry in ClinVar:

NM_004656.4(BAP1):c.680G>A (p.Arg227His)

Gene: BAP1 (BRCA1 associated deubiquitinase 1; minus strand). Cytogenetic location: 3p21.1.
Variant type: single nucleotide variant.
Coding change: c.680G>A on transcript NM_004656.4 (MANE Select); coding-DNA position 680, G replaced by A.
Protein change: p.Arg227His; replaces arginine 227 with histidine.
Molecular consequence: missense variant. On other transcripts: intron variant (1).
Genome position (GRCh38, 1-based): chr3:52,406,356, C>T on the plus strand (G>A on the coding strand, the complement: BAP1 is on the minus strand). VCF-style: chr3-52406356-C-T. GRCh37 (hg19) VCF-style: chr3-52440372-C-T.
Other names: c.660-34G>A (NM_001410772.1); short protein forms R227H.
Identifiers: ClinVar variation 2751974 (VCV002751974.4), dbSNP rs2153227490, ClinGen allele CA353107506.

ClinVar aggregate classification (germline): Uncertain significance. Review status: criteria provided, multiple submitters, no conflicts (2 of 4 stars). 2 submissions from 2 submitters: Uncertain significance (2). Last evaluated 2025-09-03.

Conditions:
BAP1-related tumor predisposition syndrome (TPDS1). Also called: COMMON Syndrome; TUMOR PREDISPOSITION SYNDROME 1; Tumor susceptibility linked to germline BAP1 mutations; BAP1 tumor predisposition syndrome. Identifiers: Orphanet 289539, MedGen C3280492, MONDO:0013692, OMIM 614327.

Allele frequency attached by ClinVar (database versions not stated): gnomAD exomes below 0.00001.
gnomAD v4.1: 1 of 1,613,966 alleles (0.000062%); highest among the groups gnomAD compares: East Asian, 0.0022%; no homozygotes.

Submissions (2):

Labcorp Genetics (formerly Invitae), Labcorp
Classification: Uncertain significance for BAP1-related tumor predisposition syndrome. Last evaluated: 2025-09-03. Review status: criteria provided, single submitter. Criteria: Invitae Variant Classification Sherloc (09022015). Collection method: clinical testing. Allele origin: germline.
Comment: This sequence change replaces arginine, which is basic and polar, with histidine, which is basic and polar, at codon 227 of the BAP1 protein (p.Arg227His). This variant is not present in population databases (gnomAD no frequency). This missense change has been observed in individual(s) with uveal melanoma (PMID: 31058963). ClinVar contains an entry for this variant (Variation ID: 2751974). Invitae Evidence Modeling of protein sequence and biophysical properties (such as structural, functional, and spatial information, amino acid conservation, physicochemical variation, residue mobility, and thermodynamic stability) indicates that this missense variant is expected to disrupt BAP1 protein function with a positive predictive value of 80%. Experimental studies have shown that this missense change affects BAP1 function (PMID: 31058963). In summary, the available evidence is currently insufficient to determine the role of this variant in disease. Therefore, it has been classified as a Variant of Uncertain Significance.

Blueprint Genetics
Classification: Uncertain significance. Last evaluated: 2021-08-19. Review status: criteria provided, single submitter. Criteria: ACMG Guidelines, 2015. Collection method: clinical testing. Allele origin: germline.

Literature cited by the submitters: PubMed 31058963 (cited by Labcorp Genetics (formerly Invitae), Labcorp).